The following is an entry in ClinVar:

ClinVar aggregate classification (germline): Pathogenic/Pathogenic, low penetrance. Review status: criteria provided, multiple submitters, no conflicts (2 of 4 stars). 2 submissions from 2 submitters: Pathogenic (1); Pathogenic, low penetrance (1). Last evaluated 2025-10-02.

Conditions:
Atypical hemolytic-uremic syndrome. Identifiers: Orphanet 2134, MedGen C2931788, MONDO:0016244.
Atypical hemolytic-uremic syndrome with MCP/CD46 anomaly. Also called: HEMOLYTIC UREMIC SYNDROME, ATYPICAL, SUSCEPTIBILITY TO, 2; AHUS, SUSCEPTIBILITY TO, 2. Identifiers: Orphanet 2134, MedGen C2752040, MONDO:0013040, OMIM 612922.

Submissions (2):

Genomenon, Inc
Classification: Pathogenic, low penetrance for Atypical hemolytic-uremic syndrome. Last evaluated: 2025-10-02. Review status: criteria provided, single submitter. Criteria: Genomenon Sequence Variant Interpretation Standards. Collection method: curation. Allele origin: germline. Affected: yes.
Comment: CD46 p.Cys127Ter (c.381T>A) is a nonsense variant that introduces a premature stop codon at amino acid position 127, creating a truncated protein that is predicted to undergo nonsense-mediated mRNA decay. This variant has been observed in at least one proband affected with atypical hemolytic-uremic syndrome (PMID:25443527). It is absent or not present at a significant frequency in gnomAD. In conclusion, we classify CD46 p.Cys127Ter (c.381T>A) as a pathogenic variant.

3billion
Classification: Pathogenic for Atypical hemolytic-uremic syndrome with MCP/CD46 anomaly. Last evaluated: 2025-01-20. Review status: criteria provided, single submitter. Criteria: ACMG Guidelines, 2015. Collection method: clinical testing. Allele origin: germline. Affected: yes.
Comment: The variant is not observed in the gnomAD v4.1.0 dataset. Predicted Consequence/Location: Stop-gained (nonsense): predicted to result in a loss or disruption of normal protein function through nonsense-mediated decay (NMD) or protein truncation. Multiple pathogenic variants are reported downstream of the variant. The variant has been reported to be associated with CD46-related disorder (PMID: 25443527). Therefore, this variant is classified as Pathogenic according to the recommendation of ACMG/AMP guideline.

Literature cited by the submitters: PubMed 25443527 (cited by Genomenon, Inc and 3billion).

NM_172351.3(CD46):c.381T>A (p.Cys127Ter)

Gene: CD46 (CD46 molecule; plus strand). Cytogenetic location: 1q32.2.
Variant type: single nucleotide variant.
Coding change: c.381T>A on transcript NM_172351.3 (MANE Select); coding-DNA position 381, T replaced by A.
Protein change: p.Cys127Ter; replaces cysteine 127 with a stop codon.
Molecular consequence: nonsense.
Genome position (GRCh38, 1-based): chr1:207,757,634, T>A. VCF-style: chr1-207757634-T-A. GRCh37 (hg19) VCF-style: chr1-207930979-T-A.
Other names: c.381T>A, p.Cys127Ter (NM_002389.4, NM_153826.4, NM_172350.3 and 8 more transcripts); short protein forms C127*.
Identifiers: ClinVar variation 4291201 (VCV004291201.1).